The following is an entry in ClinVar:

ClinVar aggregate classification (germline): Conflicting classifications of pathogenicity. Review status: criteria provided, conflicting classifications (1 of 4 stars). 6 submissions from 6 submitters: Uncertain significance (4); Likely benign (2). Last evaluated 2026-01-22.

Conditions:
USH2A-related disorder. Also called: USH2A-related disorders; USH2A-related condition. Identifiers: MedGen CN239332.

Allele frequency attached by ClinVar (database versions not stated): gnomAD below 0.00001 and 0.00008; TOPMed 0.00002; gnomAD exomes 0.00014 and 0.00031; 1000 Genomes Project 30x 0.00031; 1000 Genomes Project 0.00040; ExAC 0.00042.
gnomAD v4.1: 211 of 1,614,120 alleles (0.013%); highest among the groups gnomAD compares: South Asian, 0.22%; 2 homozygotes.

Submissions (6):

Labcorp Genetics (formerly Invitae), Labcorp
Classification: Likely benign. Last evaluated: 2026-01-22. Review status: criteria provided, single submitter. Criteria: Invitae Variant Classification Sherloc (09022015). Collection method: clinical testing. Allele origin: germline.

PreventionGenetics, part of Exact Sciences
Classification: Likely benign for USH2A-related condition. Last evaluated: 2024-12-18. Review status: criteria provided, single submitter. Criteria: ACMG Guidelines, 2015. Collection method: clinical testing. Allele origin: germline.
Comment: This variant is classified as likely benign based on ACMG/AMP sequence variant interpretation guidelines (Richards et al. 2015 PMID: 25741868, with internal and published modifications).

Blueprint Genetics
Classification: Uncertain significance. Last evaluated: 2023-12-29. Review status: criteria provided, single submitter. Criteria: ACMG Guidelines, 2015. Collection method: clinical testing. Allele origin: germline.

Revvity Omics, Revvity
Classification: Uncertain significance. Last evaluated: 2020-07-14. Review status: criteria provided, single submitter. Criteria: ACMG Guidelines, 2015. Collection method: clinical testing. Allele origin: germline.

GeneDx
Classification: Uncertain significance. Last evaluated: 2019-05-09. Review status: criteria provided, single submitter. Criteria: GeneDx Variant Classification Process June 2021. Collection method: clinical testing. Allele origin: germline. Affected: yes.
Comment: In silico analysis, which includes protein predictors and evolutionary conservation, supports that this variant does not alter protein structure/function; Has not been previously published as pathogenic or benign to our knowledge

Eurofins Ntd Llc (ga)
Classification: Uncertain significance. Last evaluated: 2017-07-25. Review status: criteria provided, single submitter. Criteria: EGL Classification Definitions 2015. Collection method: clinical testing. Allele origin: germline. Observed: 1 variant allele, 1 heterozygote.

Literature cited by the submitters: PubMed 25097241 (cited by Eurofins Ntd Llc (ga)).

NM_206933.4(USH2A):c.13198G>T (p.Ala4400Ser)

Gene: USH2A (usherin; minus strand). Cytogenetic location: 1q41.
Variant type: single nucleotide variant.
Coding change: c.13198G>T on transcript NM_206933.4 (MANE Select); coding-DNA position 13198, G replaced by T.
Protein change: p.Ala4400Ser; replaces alanine 4400 with serine.
Molecular consequence: missense variant.
Genome position (GRCh38, 1-based): chr1:215,674,713, C>A on the plus strand (G>T on the coding strand, the complement: USH2A is on the minus strand). VCF-style: chr1-215674713-C-A. GRCh37 (hg19) VCF-style: chr1-215848055-C-A.
Other names: c.13198G>T (NM_206933.3); short protein forms A4400S.
Identifiers: ClinVar variation 593107 (VCV000593107.24), dbSNP rs541022183, ClinGen allele CA1393334.